The following is an entry in ClinVar:

NM_001009944.3(PKD1):c.11002C>T (p.His3668Tyr)

Genes: PKD1 (polycystin 1, transient receptor potential channel interacting; minus strand), PKD1-AS1 (PKD1 antisense RNA 1; plus strand). Cytogenetic location: 16p13.3.
Variant type: single nucleotide variant.
Coding change: c.11002C>T on transcript NM_001009944.3 (MANE Select); coding-DNA position 11002, C replaced by T.
Protein change: p.His3668Tyr; replaces histidine 3668 with tyrosine.
Molecular consequence: missense variant.
Genome position (GRCh38, 1-based): chr16:2,093,558, G>A on the plus strand (C>T on the coding strand, the complement: PKD1 is on the minus strand). VCF-style: chr16-2093558-G-A. GRCh37 (hg19) VCF-style: chr16-2143559-G-A.
Other names: c.10999C>T, p.His3667Tyr (NM_000296.4); short protein forms H3668Y, H3667Y.
Identifiers: ClinVar variation 3578975 (VCV003578975.2).

ClinVar aggregate classification (germline): Uncertain significance. Review status: criteria provided, multiple submitters, no conflicts (2 of 4 stars). 2 submissions from 2 submitters: Uncertain significance (2). Last evaluated 2026-02-05.

Conditions:
Polycystic kidney disease, adult type (PKD1). Also called: Polycystic Kidney Disease 1, Autosomal Dominant; Polycystic kidney disease 1; Polycystic kidney disease 1, severe; POLYCYSTIC KIDNEY DISEASE 1 WITH OR WITHOUT POLYCYSTIC LIVER DISEASE; POLYCYSTIC KIDNEY DISEASE, ADULT, TYPE I; Polycystic Kidney, Autosomal Dominant. Identifiers: MedGen C3149841, MONDO:0008263, OMIM 173900.

gnomAD v4.1: 13 of 1,603,404 alleles (0.00081%); highest among the groups gnomAD compares: East Asian, 0.0022%; no homozygotes.

Submissions (2):

Victorian Clinical Genetics Services, Murdoch Childrens Research Institute
Classification: Uncertain significance for Polycystic kidney disease, adult type. Last evaluated: 2026-02-05. Review status: criteria provided, single submitter. Criteria: ACMG Guidelines, 2015. Collection method: clinical testing. Allele origin: germline. Affected: yes.
Comment: This variant is classified as VUS-3B. Evidence in support of pathogenic classification: Variant is present in gnomAD <0.01 (v4: 13 heterozygote(s), 0 homozygote(s)); Other missense variants comparable to the one identified in this case have limited previous evidence for pathogenicity. p.(His3668Pro) has been reported in the literature as likely pathogenic in a PKD cohort (PMID: 27499327). p.(His3668Arg) has been reported in an infant with PKD, with a second de novo likely pathogenic PKD1 variant (PMID: 33168999). p.(His3668Gln) was classified once as a VUS by a clinical laboratory in ClinVar. Additional information: Variant is predicted to result in a missense amino acid change from His to Tyr; This variant is heterozygous; This gene is associated with autosomal dominant disease. Polycystic kidney disease 1 (MIM#173900) is predominantly caused by monoallelic variants, with rare reports of biallelic variants causing disease (OMIM); Alternative amino acid change(s) at the same position are present in gnomAD (highest allele count: v4: 7 heterozygote(s), 0 homozygote(s)); Previous evidence of pathogenicity for this variant is inconclusive. This variant has been classified as a VUS by a clinical laboratory in ClinVar; No published evidence of segregation with disease has been identified for this variant; No published functional evidence has been identified for this variant; Variant is not located in an established domain, motif, hotspot or informative constraint region; Missense variant with inconclusive in silico prediction and/or uninformative conservation; Loss of function is a known mechanism of disease in this gene and is associated with polycystic kidney disease 1 (MIM#173900). - Inheritance information for this variant is not currently available in this individual.

Fulgent Genetics
Classification: Uncertain significance for Polycystic kidney disease, adult type. Last evaluated: 2024-04-10. Review status: criteria provided, single submitter. Criteria: ACMG Guidelines, 2015. Collection method: clinical testing. Allele origin: germline.

Literature cited by the submitters: PubMed 27499327 (cited by Victorian Clinical Genetics Services, Murdoch Childrens Research Institute); PubMed 33168999 (cited by Victorian Clinical Genetics Services, Murdoch Childrens Research Institute).